The following is an entry in ClinVar:

ClinVar aggregate classification (germline): Uncertain significance (1 of 4 stars; one submission).

Conditions:
Epilepsy, childhood absence, susceptibility to, 1. Also called: Epilepsy, childhood absence 1. Identifiers: Orphanet 64280, MedGen C1838604, MONDO:0020759, OMIM 600131.
Epilepsy, childhood absence, susceptibility to, 5. Identifiers: Orphanet 64280, MedGen C2677087, MONDO:0012843, OMIM 612269.

Submission:

Labcorp Genetics (formerly Invitae), Labcorp
Classification: Uncertain significance for Epilepsy, childhood absence, susceptibility to, 5; Epilepsy, childhood absence, susceptibility to, 1. Last evaluated: 2024-03-16. Review status: criteria provided, single submitter. Criteria: Invitae Variant Classification Sherloc (09022015). Collection method: clinical testing. Allele origin: germline.
Comment: This sequence change creates a premature translational stop signal (p.Pro457Hisfs*9) in the GABRB3 gene. While this is not anticipated to result in nonsense mediated decay, it is expected to disrupt the last 17 amino acid(s) of the GABRB3 protein. This variant is not present in population databases (gnomAD no frequency). This premature translational stop signal has been observed in individual(s) with clinical features of GABRB3-related conditions (Invitae). Experimental studies and prediction algorithms are not available or were not evaluated, and the functional significance of this variant is currently unknown. In summary, the available evidence is currently insufficient to determine the role of this variant in disease. Therefore, it has been classified as a Variant of Uncertain Significance.

NM_000814.6(GABRB3):c.1368del (p.Pro457fs)

Gene: GABRB3 (gamma-aminobutyric acid type A receptor subunit beta3; minus strand). Cytogenetic location: 15q12.
Variant type: Deletion.
Coding change: c.1368del on transcript NM_000814.6 (MANE Select); coding-DNA position 1368, one base deleted (T; older notation c.1368delT).
Protein change: p.Pro457fs; shifts the reading frame from proline 457.
Molecular consequence: frameshift variant.
Genome position (GRCh38, 1-based): chr15:26,547,847, A deleted on the plus strand (T on the coding strand, the reverse complement: GABRB3 is on the minus strand); the first of 3 consecutive A bases (chr15:26,547,847-26,547,849); deleting any one gives the same sequence. VCF-style (leftmost placement, unchanged base first): chr15-26547846-GA-G. GRCh37 (hg19) VCF-style: chr15-26792993-GA-G.
Other names: c.1113del, p.Pro372fs (NM_001191320.2, NM_001278631.2); c.1155del, p.Pro386fs (NM_001191321.3); c.1368del, p.Pro457fs (NM_021912.5); short protein forms P457fs, P386fs, P372fs.
Identifiers: ClinVar variation 2922099 (VCV002922099.3), dbSNP rs2504113837, ClinGen allele CA2627353369.
Genomic context (GRCh38, chr15:26,547,846, plus strand): 5'-CAGTCACTCAGTTAACATAGTACAGCCAGTAAACTAAGTTGAAAAGAGAAAAAGTGAATG[GA>G]AACACGATCCTGGACCATCTGTCTATGGCATTCACATCGGTTAGATCAGGTATTTTAATT-3'